The following is an entry in ClinVar:

ClinVar aggregate classification (germline): Pathogenic/Likely pathogenic. Review status: criteria provided, multiple submitters, no conflicts (2 of 4 stars). 2 submissions from 2 submitters: Pathogenic (1); Likely pathogenic (1). Last evaluated 2025-01-15.

Conditions:
Familial cancer of breast. Also called: BREAST CANCER, FAMILIAL; Hereditary breast cancer; hereditary breast carcinoma. Identifiers: Orphanet 227535, MedGen C0346153, MONDO:0016419, OMIM 114480. Disease mechanism: loss of function.

Submissions (2):

Labcorp Genetics (formerly Invitae), Labcorp
Classification: Pathogenic for Familial cancer of breast. Last evaluated: 2025-01-15. Review status: criteria provided, single submitter. Criteria: Invitae Variant Classification Sherloc (09022015). Collection method: clinical testing. Allele origin: germline.
Comment: This sequence change affects an acceptor splice site in intron 11 of the PALB2 gene. RNA analysis indicates that disruption of this splice site induces altered splicing and may result in an absent or altered protein product. This variant is not present in population databases (gnomAD no frequency). This variant has not been reported in the literature in individuals affected with PALB2-related conditions. ClinVar contains an entry for this variant (Variation ID: 938626). Studies have shown that disruption of this splice site results in activation of a cryptic splice site, and produces a non-functional protein and/or introduces a premature termination codon (internal data). For these reasons, this variant has been classified as Pathogenic.

Baylor Genetics
Classification: Likely pathogenic for Familial cancer of breast. Last evaluated: 2024-01-04. Review status: criteria provided, single submitter. Criteria: ACMG Guidelines, 2015. Collection method: clinical testing. Allele origin: unknown.

NM_024675.4(PALB2):c.3202-2A>G

Gene: PALB2 (partner and localizer of BRCA2; minus strand). Cytogenetic location: 16p12.2.
Variant type: single nucleotide variant.
Coding change: c.3202-2A>G on transcript NM_024675.4 (MANE Select); the canonical splice acceptor site of the intron before coding-DNA position 3202, A replaced by G.
Molecular consequence: splice acceptor variant. On other transcripts: intron variant (8).
Genome position (GRCh38, 1-based): chr16:23,608,014, T>C on the plus strand (A>G on the coding strand, the complement: PALB2 is on the minus strand). VCF-style: chr16-23608014-T-C. GRCh37 (hg19) VCF-style: chr16-23619335-T-C.
Other names: c.2229-4345A>G (NM_001407308.1, NM_001407309.1); c.2317-2A>G (NM_001407306.1, NM_001407305.1, NM_001407304.1); c.736-2A>G (NM_001407314.1); c.1414-4345A>G (NM_001407313.1); c.1414-2A>G (NM_001407312.1); c.3142-2A>G (NM_001407296.1); c.3130-2A>G (NM_001407297.1); c.3040-4345A>G (NM_001407302.1); and 6 more.
Identifiers: ClinVar variation 938626 (VCV000938626.10), dbSNP rs1060499827, ClinGen allele CA395140148.